The following is an entry in ClinVar:

ClinVar aggregate classification (germline): Conflicting classifications of pathogenicity. Review status: criteria provided, conflicting classifications (1 of 4 stars). 3 submissions from 3 submitters: Uncertain significance (1); Benign (1); Likely benign (1). Last evaluated 2026-01-19.

Conditions:
Congenital muscular dystrophy due to integrin alpha-7 deficiency. Also called: MYOPATHY, CONGENITAL, DUE TO INTEGRIN ALPHA-7 DEFICIENCY; Congenital muscular dystrophy with integrin alpha-7 deficiency; Muscular dystrophy, congenital, due to ITGA7 deficiency. Identifiers: Orphanet 34520, MedGen C2750786, MONDO:0013177, OMIM 613204.

Allele frequency attached by ClinVar (database versions not stated): gnomAD exomes 0.00007 and 0.00019; ExAC 0.00023; 1000 Genomes Project 30x 0.00047; 1000 Genomes Project 0.00060; gnomAD 0.00063 and 0.00066; TOPMed 0.00071; ESP Exome Variant Server 0.00085.
gnomAD v4.1: 191 of 1,614,176 alleles (0.012%); highest among the groups gnomAD compares: African/African-American, 0.24%; no homozygotes.

Submissions (3):

Labcorp Genetics (formerly Invitae), Labcorp
Classification: Benign for Congenital muscular dystrophy due to integrin alpha-7 deficiency. Last evaluated: 2026-01-19. Review status: criteria provided, single submitter. Criteria: Invitae Variant Classification Sherloc (09022015). Collection method: clinical testing. Allele origin: germline.

GeneDx
Classification: Likely benign. Last evaluated: 2017-03-23. Review status: criteria provided, single submitter. Criteria: GeneDx Variant Classification (06012015). Collection method: clinical testing. Allele origin: germline. Affected: yes.
Comment: This variant is considered likely benign or benign based on one or more of the following criteria: it is a conservative change, it occurs at a poorly conserved position in the protein, it is predicted to be benign by multiple in silico algorithms, and/or has population frequency not consistent with disease.

Eurofins Ntd Llc (ga)
Classification: Uncertain significance. Last evaluated: 2014-09-12. Review status: criteria provided, single submitter. Criteria: EGL Classification Definitions 2015. Collection method: clinical testing. Allele origin: germline.

NM_002206.3(ITGA7):c.1722C>A (p.Ala574=)

Gene: ITGA7 (integrin subunit alpha 7; minus strand). Cytogenetic location: 12q13.2.
Variant type: single nucleotide variant.
Coding change: c.1722C>A on transcript NM_002206.3 (MANE Select); coding-DNA position 1722, C replaced by A.
Protein change: p.Ala574=; no amino-acid change (alanine 574 retained).
Molecular consequence: synonymous variant.
Genome position (GRCh38, 1-based): chr12:55,696,914, G>T on the plus strand (C>A on the coding strand, the complement: ITGA7 is on the minus strand). VCF-style: chr12-55696914-G-T. GRCh37 (hg19) VCF-style: chr12-56090698-G-T.
Other names: c.1734C>A, p.Ala578= (NM_001144996.2); c.1443C>A, p.Ala481= (NM_001144997.2); c.1395C>A, p.Ala465= (NM_001367993.1); c.378C>A, p.Ala126= (NM_001367994.1); c.1704C>A, p.Ala568= (NM_001374465.1); c.1854C>A, p.Ala618= (NM_001410977.1); c.1716C>A, p.Ala572= (NM_001414029.1); c.1647C>A, p.Ala549= (NM_001414030.1); and 5 more.
Identifiers: ClinVar variation 194044 (VCV000194044.15), dbSNP rs142311782, ClinGen allele CA239833.